The following is an entry in ClinVar:

NM_006734.4(HIVEP2):c.4061C>G (p.Ser1354Cys)

Gene: HIVEP2 (HIVEP zinc finger 2; minus strand). Cytogenetic location: 6q24.2.
Variant type: single nucleotide variant.
Coding change: c.4061C>G on transcript NM_006734.4 (MANE Select); coding-DNA position 4061, C replaced by G.
Protein change: p.Ser1354Cys; replaces serine 1354 with cysteine.
Molecular consequence: missense variant.
Genome position (GRCh38, 1-based): chr6:142,770,678, G>C on the plus strand (C>G on the coding strand, the complement: HIVEP2 is on the minus strand). VCF-style: chr6-142770678-G-C. GRCh37 (hg19) VCF-style: chr6-143091815-G-C.
Other names: short protein forms S1354C.
Identifiers: ClinVar variation 1717776 (VCV001717776.5), dbSNP rs2482826110, ClinGen allele CA365901285.

ClinVar aggregate classification (germline): Uncertain significance (1 of 4 stars; one submission).

Submission:

Labcorp Genetics (formerly Invitae), Labcorp
Classification: Uncertain significance. Last evaluated: 2024-11-04. Review status: criteria provided, single submitter. Criteria: Invitae Variant Classification Sherloc (09022015). Collection method: clinical testing. Allele origin: germline.
Comment: This sequence change replaces serine, which is neutral and polar, with cysteine, which is neutral and slightly polar, at codon 1354 of the HIVEP2 protein (p.Ser1354Cys). This variant is not present in population databases (gnomAD no frequency). This variant has not been reported in the literature in individuals affected with HIVEP2-related conditions. ClinVar contains an entry for this variant (Variation ID: 1717776). Invitae Evidence Modeling of protein sequence and biophysical properties (such as structural, functional, and spatial information, amino acid conservation, physicochemical variation, residue mobility, and thermodynamic stability) indicates that this missense variant is expected to disrupt HIVEP2 protein function with a positive predictive value of 80%. In summary, the available evidence is currently insufficient to determine the role of this variant in disease. Therefore, it has been classified as a Variant of Uncertain Significance.